The following is an entry in ClinVar:

ClinVar aggregate classification (germline): Uncertain significance. Review status: criteria provided, multiple submitters, no conflicts (2 of 4 stars). 7 submissions from 7 submitters: Uncertain significance (7). Last evaluated 2026-02-09.

Conditions:
Pituitary hormone deficiency, combined, 2. Also called: PROP1-Related Combined Pituitary Hormone Deficiency; ATELIOTIC DWARFISM WITH HYPOGONADISM; HANHART DWARFISM; PITUITARY DWARFISM III. Identifiers: MedGen C0878683, MONDO:0009878, OMIM 262600.

Allele frequency attached by ClinVar (database versions not stated): 1000 Genomes Project 30x 0.00016; 1000 Genomes Project 0.00020; ESP Exome Variant Server 0.00023; gnomAD 0.00025 and 0.00026; gnomAD exomes 0.00025; ExAC 0.00026; TOPMed 0.00026.

Submissions (7):

Women's Health and Genetics/Laboratory Corporation of America, LabCorp
Classification: Uncertain significance. Last evaluated: 2026-02-09. Review status: criteria provided, single submitter. Criteria: LabCorp Variant Classification Summary - May 2015. Collection method: clinical testing. Allele origin: germline.
Comment: Variant summary: PROP1 c.335G>A (p.Arg112Gln) results in a conservative amino acid change in the encoded protein sequence. Algorithms developed to predict the effect of missense changes on protein structure and function are either unavailable or do not agree on the potential impact of this missense change. The variant allele was found at a frequency of 0.00025 in 250544 control chromosomes. This frequency is not significantly higher than estimated for disease-causing variants in PROP1, allowing no conclusion about variant significance. c.335G>A has been observed in individual(s) affected with Combined Pituitary Hormone Deficiency. These report(s) do not provide unequivocal conclusions about association of the variant with Combined Pituitary Hormone Deficiency. To our knowledge, no experimental evidence demonstrating an impact on protein function has been reported. ClinVar contains an entry for this variant (Variation ID: 353014). Based on the evidence outlined above, the variant was classified as uncertain significance.

GeneDx
Classification: Uncertain significance. Last evaluated: 2026-01-30. Review status: criteria provided, single submitter. Criteria: GeneDx Variant Classification Process June 2021. Collection method: clinical testing. Allele origin: germline. Affected: yes.
Comment: In silico analysis supports that this missense variant has a deleterious effect on protein structure/function; Reported without a second variant in a patient with CHH in the literature (PMID: 32982993); however, this individual also harbored a variant in the CHD7 gene; This variant is associated with the following publications: (PMID: 32982993)

Blueprint Genetics
Classification: Uncertain significance. Last evaluated: 2024-08-28. Review status: criteria provided, single submitter. Criteria: ACMG Guidelines, 2015. Collection method: clinical testing. Allele origin: germline.

Labcorp Genetics (formerly Invitae), Labcorp
Classification: Uncertain significance. Last evaluated: 2022-07-21. Review status: criteria provided, single submitter. Criteria: Invitae Variant Classification Sherloc (09022015). Collection method: clinical testing. Allele origin: germline.
Comment: This sequence change replaces arginine, which is basic and polar, with glutamine, which is neutral and polar, at codon 112 of the PROP1 protein (p.Arg112Gln). This variant is present in population databases (rs201266211, gnomAD 0.05%). This variant has not been reported in the literature in individuals affected with PROP1-related conditions. ClinVar contains an entry for this variant (Variation ID: 353014). Algorithms developed to predict the effect of missense changes on protein structure and function (SIFT, PolyPhen-2, Align-GVGD) all suggest that this variant is likely to be disruptive. In summary, the available evidence is currently insufficient to determine the role of this variant in disease. Therefore, it has been classified as a Variant of Uncertain Significance.

Fulgent Genetics
Classification: Uncertain significance for Pituitary hormone deficiency, combined, 2. Last evaluated: 2021-08-31. Review status: criteria provided, single submitter. Criteria: ACMG Guidelines, 2015. Collection method: clinical testing. Allele origin: unknown.

Illumina Laboratory Services, Illumina
Classification: Uncertain significance for Pituitary hormone deficiency, combined, 2. Last evaluated: 2018-01-13. Review status: criteria provided, single submitter. Criteria: ICSL Variant Classification Criteria 13 December 2019. Collection method: clinical testing. Allele origin: germline.

Breakthrough Genomics
Classification: Uncertain significance. Review status: criteria provided, single submitter. Criteria: ACMG Guidelines, 2015. Collection method: not provided. Allele origin: germline. Inheritance: Autosomal recessive inheritance. Affected: yes.

Literature cited by the submitters: PubMed 32982993 (cited by Women's Health and Genetics/Laboratory Corporation of America, LabCorp).

NM_006261.5(PROP1):c.335G>A (p.Arg112Gln)

Gene: PROP1 (PROP paired-like homeobox 1; minus strand). Cytogenetic location: 5q35.3.
Variant type: single nucleotide variant.
Coding change: c.335G>A on transcript NM_006261.5 (MANE Select); coding-DNA position 335, G replaced by A.
Protein change: p.Arg112Gln; replaces arginine 112 with glutamine.
Molecular consequence: missense variant.
Genome position (GRCh38, 1-based): chr5:177,994,113, C>T on the plus strand (G>A on the coding strand, the complement: PROP1 is on the minus strand). VCF-style: chr5-177994113-C-T. GRCh37 (hg19) VCF-style: chr5-177421114-C-T.
Other names: short protein forms R112Q.
Identifiers: ClinVar variation 353014 (VCV000353014.14), dbSNP rs201266211, ClinGen allele CA3587553.